The following is an entry in ClinVar:

NM_000528.4(MAN2B1):c.1677G>A (p.Ala559=)

Gene: MAN2B1 (mannosidase alpha class 2B member 1; minus strand). Cytogenetic location: 19p13.13.
Variant type: single nucleotide variant.
Coding change: c.1677G>A on transcript NM_000528.4 (MANE Select); coding-DNA position 1677, G replaced by A.
Protein change: p.Ala559=; no amino-acid change (alanine 559 retained).
Molecular consequence: synonymous variant.
Genome position (GRCh38, 1-based): chr19:12,655,847, C>T on the plus strand (G>A on the coding strand, the complement: MAN2B1 is on the minus strand). VCF-style: chr19-12655847-C-T. GRCh37 (hg19) VCF-style: chr19-12766661-C-T.
Other names: c.1674G>A, p.Ala558= (NM_001173498.2); c.1677G>A (NM_000528.3).
Identifiers: ClinVar variation 1135029 (VCV001135029.16), dbSNP rs762375401, ClinGen allele CA9226351.

ClinVar aggregate classification (germline): Likely benign. Review status: criteria provided, multiple submitters, no conflicts (2 of 4 stars). 4 submissions from 4 submitters: Likely benign (2). 2 of the submissions do not count toward it. Last evaluated 2026-01-11.

Conditions:
Deficiency of alpha-mannosidase (MANSA). Also called: Alpha-Mannosidosis; Mannosidosis, alpha-, types I and II; LYSOSOMAL ALPHA-D-MANNOSIDASE DEFICIENCY. Identifiers: Orphanet 61, MedGen C0024748, MONDO:0009561, OMIM 248500.
MAN2B1-related disorder. Also called: MAN2B1-related condition.

Allele frequency attached by ClinVar (database versions not stated): gnomAD exomes 0.00002; ExAC 0.00003; gnomAD 0.00003; TOPMed 0.00003.
gnomAD v4.1: 29 of 1,613,716 alleles (0.0018%); highest among the groups gnomAD compares: East Asian, 0.0022%; no homozygotes.

Submissions (4):

Labcorp Genetics (formerly Invitae), Labcorp
Classification: Likely benign for Deficiency of alpha-mannosidase. Last evaluated: 2026-01-11. Review status: criteria provided, single submitter. Criteria: Invitae Variant Classification Sherloc (09022015). Collection method: clinical testing. Allele origin: germline.

Laboratory of Genetics, Children's Clinical University Hospital Latvia
Classification: Likely benign. Last evaluated: 2025-02-16. Review status: criteria provided, single submitter. Criteria: ACMG Guidelines, 2015. Collection method: clinical testing. Allele origin: germline. Affected: yes.

Natera, Inc.
Classification: Likely benign for Alpha-mannosidosis. Last evaluated: 2021-06-23. Review status: no assertion criteria provided. Collection method: clinical testing. Allele origin: germline. Not counted in ClinVar's aggregate classification.

PreventionGenetics, part of Exact Sciences
Classification: Likely benign for MAN2B1-related condition. Last evaluated: 2019-05-09. Review status: no assertion criteria provided. Collection method: clinical testing. Allele origin: germline. Not counted in ClinVar's aggregate classification.
Comment: This variant is classified as likely benign based on ACMG/AMP sequence variant interpretation guidelines (Richards et al. 2015 PMID: 25741868, with internal and published modifications).